The following is an entry in ClinVar:

ClinVar aggregate classification (germline): Likely benign (1 of 4 stars; one submission).

Allele frequency attached by ClinVar (database versions not stated): gnomAD exomes below 0.00001.
gnomAD v4.1: 1 of 1,614,066 alleles (0.000062%); highest among the groups gnomAD compares: Middle Eastern, 0.016%; no homozygotes.

Submission:

Women's Health and Genetics/Laboratory Corporation of America, LabCorp
Classification: Likely benign. Last evaluated: 2023-04-06. Review status: criteria provided, single submitter. Criteria: LabCorp Variant Classification Summary - May 2015. Collection method: clinical testing. Allele origin: germline.
Comment: Variant summary: ANK3 c.4575A>G alters a conserved nucleotide resulting in a synonymous change. 4/4 computational tools predict no significant impact on normal splicing. However, these predictions have yet to be confirmed by functional studies. The variant was absent in 251210 control chromosomes. The available data on variant occurrences in the general population are insufficient to allow any conclusion about variant significance. To our knowledge, no occurrence of c.4575A>G in individuals affected with Mental Retardation, Autosomal Recessive 37 and no experimental evidence demonstrating its impact on protein function have been reported. No clinical diagnostic laboratories have submitted clinical-significance assessments for this variant to ClinVar after 2014. Based on the evidence outlined above, the variant was classified as likely benign.

NM_020987.5(ANK3):c.4575A>G (p.Ser1525=)

Gene: ANK3 (ankyrin 3; minus strand). Cytogenetic location: 10q21.2.
Variant type: single nucleotide variant.
Coding change: c.4575A>G on transcript NM_020987.5 (MANE Select); coding-DNA position 4575, A replaced by G.
Protein change: p.Ser1525=; no amino-acid change (serine 1525 retained).
Molecular consequence: synonymous variant. On other transcripts: intron variant (4).
Genome position (GRCh38, 1-based): chr10:60,076,306, T>C on the plus strand (A>G on the coding strand, the complement: ANK3 is on the minus strand). VCF-style: chr10-60076306-T-C. GRCh37 (hg19) VCF-style: chr10-61836064-T-C.
Other names: c.4387+4231A>G (NM_001204403.2); c.4408+4231A>G (NM_001204404.2); c.4405+4231A>G (NM_001320874.2); c.1807+4231A>G (NM_001149.4); c.4575A>G (NM_020987.4).
Identifiers: ClinVar variation 2503814 (VCV002503814.1), dbSNP rs2492579612, ClinGen allele CA469994178.